The following is an entry in ClinVar:

ClinVar aggregate classification (germline): Likely pathogenic (1 of 4 stars; one submission).

Conditions:
3M syndrome 2. Also called: 3-M Syndrome, OBSL1-Related; THREE M SYNDROME 2. Identifiers: Orphanet 2616, MedGen C2752041, MONDO:0013039, OMIM 612921.

Submission:

Institute of Immunology and Genetics Kaiserslautern
Classification: Likely pathogenic for 3M syndrome 2. Last evaluated: 2024-07-20. Review status: criteria provided, single submitter. Criteria: ACMG Guidelines, 2015. Collection method: clinical testing. Allele origin: biparental. Affected: yes.
Comment: ACMG Criteria: PVS1, PM2; Variant was found in homozygous state

NM_015311.3(OBSL1):c.1838-2_1838-1del

Gene: OBSL1 (obscurin like cytoskeletal adaptor 1; minus strand). Cytogenetic location: 2q35.
Variant type: Deletion.
Coding change: c.1838-2_1838-1del on transcript NM_015311.3 (MANE Select); the canonical splice acceptor site of the intron before coding-DNA position 1838, 2 bases deleted (AG; older notation c.1838-2_1838-1delAG).
Molecular consequence: splice acceptor variant.
Genome position (GRCh38, 1-based): chr2:219,567,127-219,567,128, CT deleted on the plus strand (AG on the coding strand, the reverse complement: OBSL1 is on the minus strand). VCF-style (leftmost placement, unchanged base first): chr2-219567126-ACT-A. GRCh37 (hg19) VCF-style: chr2-220431848-ACT-A.
Other names: c.1838-2_1838-1del (NM_001173431.2, NM_001173408.2).
Identifiers: ClinVar variation 3257733 (VCV003257733.1).
Genomic context (GRCh38, chr2:219,567,126, plus strand): 5'-GCATCTTCCCCGTCGTATACCTGCACATCCTCCAGACCTGCCACCAGGCGAGCTGTGGGC[ACT>A]GAGGCAGGGACAGAGTGCAGCTGTCAGAACTAGAAGGTGTGGCAGAGGGCAGAGGCTGGC-3'